The following is an entry in ClinVar:

Single allele

Genes: MRC2 (mannose receptor C-type 2; plus strand), TLK2 (tousled like kinase 2; plus strand). Cytogenetic location: 17q23.2.
Variant type: Deletion.
Identifiers: ClinVar variation 978816 (VCV000978816.3).

ClinVar aggregate classification (germline): Likely pathogenic (1 of 4 stars; one submission).

Conditions:
Intellectual developmental disorder, autosomal dominant 57. Also called: MENTAL RETARDATION, AUTOSOMAL DOMINANT 57; Intellectual disability, autosomal dominant 57. Identifiers: MedGen C4748003, MONDO:0054837, OMIM 618050.

Submission:

Laboratory of Medical Genetics, University of Torino
Classification: Likely pathogenic for Intellectual developmental disorder, autosomal dominant 57. Last evaluated: 2020-09-24. Review status: criteria provided, single submitter. Criteria: ACMG Guidelines, 2015. Collection method: research. Allele origin: de novo. Inheritance: Autosomal dominant inheritance. Affected: yes. Observed: 1 heterozygote.
Comment: The variant was de novo. The cells carrying the deletion show chromatin relaxation.